The following is an entry in ClinVar:

NM_176812.5(CHMP4B):c.219G>T (p.Lys73Asn)

Gene: CHMP4B (charged multivesicular body protein 4B; plus strand). Cytogenetic location: 20q11.22.
Variant type: single nucleotide variant.
Coding change: c.219G>T on transcript NM_176812.5 (MANE Select); coding-DNA position 219, G replaced by T.
Protein change: p.Lys73Asn; replaces lysine 73 with asparagine.
Molecular consequence: missense variant.
Genome position (GRCh38, 1-based): chr20:33,848,495, G>T. VCF-style: chr20-33848495-G-T. GRCh37 (hg19) VCF-style: chr20-32436301-G-T.
Other names: short protein forms K73N.
Identifiers: ClinVar variation 2662226 (VCV002662226.1), dbSNP rs2515543589, ClinGen allele CA408920023.

ClinVar aggregate classification (germline): Uncertain significance (1 of 4 stars; one submission).

Submission:

GeneDx
Classification: Uncertain significance. Last evaluated: 2023-05-16. Review status: criteria provided, single submitter. Criteria: GeneDx Variant Classification Process June 2021. Collection method: clinical testing. Allele origin: germline. Affected: yes.
Comment: Not observed at significant frequency in large population cohorts (gnomAD); In silico analysis supports that this missense variant has a deleterious effect on protein structure/function; Has not been previously published as pathogenic or benign to our knowledge